The following is an entry in ClinVar:

ClinVar aggregate classification (germline): Uncertain significance. Review status: criteria provided, multiple submitters, no conflicts (2 of 4 stars). 2 submissions from 2 submitters: Uncertain significance (2). Last evaluated 2026-01-09.

Allele frequency attached by ClinVar (database versions not stated): TOPMed 0.00003; gnomAD 0.00004 and 0.00003; gnomAD exomes below 0.00001 and 0.00001; ExAC 0.00001.
gnomAD v4.1: 11 of 1,614,120 alleles (0.00068%); highest among the groups gnomAD compares: Middle Eastern, 0.016%; no homozygotes.

Submissions (2):

Ambry Genetics
Classification: Uncertain significance. Last evaluated: 2026-01-09. Review status: criteria provided, single submitter. Criteria: Ambry Variant Classification Scheme 2023. Collection method: clinical testing. Allele origin: germline.
Comment: The c.986G>A (p.C329Y) alteration is located in exon 7 (coding exon 7) of the RNF31 gene. This alteration results from a G to A substitution at nucleotide position 986, causing the cysteine (C) at amino acid position 329 to be replaced by a tyrosine (Y). Based on data from gnomAD, the A allele has an overall frequency of 0.001% (3/249456) total alleles studied. The highest observed frequency was 0.017% (1/6052) of Other alleles. Based on insufficient or conflicting evidence, the clinical significance of this alteration remains unclear.

Labcorp Genetics (formerly Invitae), Labcorp
Classification: Uncertain significance. Last evaluated: 2023-11-14. Review status: criteria provided, single submitter. Criteria: Invitae Variant Classification Sherloc (09022015). Collection method: clinical testing. Allele origin: germline.
Comment: This sequence change replaces cysteine, which is neutral and slightly polar, with tyrosine, which is neutral and polar, at codon 329 of the RNF31 protein (p.Cys329Tyr). This variant is present in population databases (rs767287330, gnomAD 0.007%). This variant has not been reported in the literature in individuals affected with RNF31-related conditions. ClinVar contains an entry for this variant (Variation ID: 1486843). An algorithm developed to predict the effect of missense changes on protein structure and function (PolyPhen-2) suggests that this variant is likely to be disruptive. In summary, the available evidence is currently insufficient to determine the role of this variant in disease. Therefore, it has been classified as a Variant of Uncertain Significance.

NM_017999.5(RNF31):c.986G>A (p.Cys329Tyr)

Gene: RNF31 (ring finger protein 31; plus strand). Cytogenetic location: 14q12.
Variant type: single nucleotide variant.
Coding change: c.986G>A on transcript NM_017999.5 (MANE Select); coding-DNA position 986, G replaced by A.
Protein change: p.Cys329Tyr; replaces cysteine 329 with tyrosine.
Molecular consequence: missense variant.
Genome position (GRCh38, 1-based): chr14:24,150,237, G>A. VCF-style: chr14-24150237-G-A. GRCh37 (hg19) VCF-style: chr14-24619446-G-A.
Other names: c.533G>A, p.Cys178Tyr (NM_001310332.2); c.986G>A (NM_017999.4); short protein forms C178Y, C329Y.
Identifiers: ClinVar variation 1486843 (VCV001486843.7), dbSNP rs767287330, ClinGen allele CA7125676.